The following is an entry in ClinVar:

ClinVar aggregate classification (germline): Uncertain significance. Review status: criteria provided, multiple submitters, no conflicts (2 of 4 stars). 3 submissions from 3 submitters: Uncertain significance (2). 1 of the submissions does not count toward it. Last evaluated 2024-09-10.

Conditions:
Retinitis pigmentosa 59 (RP59). Identifiers: Orphanet 791, MedGen C3151227, MONDO:0013468, OMIM 613861.

Allele frequency attached by ClinVar (database versions not stated): gnomAD 0.00011 and 0.00012; gnomAD exomes 0.00004; ExAC 0.00005; TOPMed 0.00013; ESP Exome Variant Server 0.00015.
gnomAD v4.1: 31 of 1,613,920 alleles (0.0019%); highest among the groups gnomAD compares: African/African-American, 0.039%; no homozygotes.

Submissions (3):

Labcorp Genetics (formerly Invitae), Labcorp
Classification: Uncertain significance for Retinitis pigmentosa 59. Last evaluated: 2024-09-10. Review status: criteria provided, single submitter. Criteria: Invitae Variant Classification Sherloc (09022015). Collection method: clinical testing. Allele origin: germline.
Comment: This sequence change replaces leucine, which is neutral and non-polar, with phenylalanine, which is neutral and non-polar, at codon 129 of the DHDDS protein (p.Leu129Phe). This variant is present in population databases (rs372256981, gnomAD 0.05%). This variant has not been reported in the literature in individuals affected with DHDDS-related conditions. ClinVar contains an entry for this variant (Variation ID: 1004416). Invitae Evidence Modeling of protein sequence and biophysical properties (such as structural, functional, and spatial information, amino acid conservation, physicochemical variation, residue mobility, and thermodynamic stability) indicates that this missense variant is not expected to disrupt DHDDS protein function with a negative predictive value of 80%. In summary, the available evidence is currently insufficient to determine the role of this variant in disease. Therefore, it has been classified as a Variant of Uncertain Significance.

Blueprint Genetics
Classification: Uncertain significance. Last evaluated: 2022-02-03. Review status: criteria provided, single submitter. Criteria: ACMG Guidelines, 2015. Collection method: clinical testing. Allele origin: germline.

Natera, Inc.
Classification: Uncertain significance for Retinitis pigmentosa type 59. Last evaluated: 2021-07-28. Review status: no assertion criteria provided. Collection method: clinical testing. Allele origin: germline. Not counted in ClinVar's aggregate classification.

NM_205861.3(DHDDS):c.387G>C (p.Leu129Phe)

Gene: DHDDS (dehydrodolichyl diphosphate synthase subunit; plus strand). Cytogenetic location: 1p36.11.
Variant type: single nucleotide variant.
Coding change: c.387G>C on transcript NM_205861.3 (MANE Select); coding-DNA position 387, G replaced by C.
Protein change: p.Leu129Phe; replaces leucine 129 with phenylalanine.
Molecular consequence: missense variant. On other transcripts: intron variant (1).
Genome position (GRCh38, 1-based): chr1:26,446,379, G>C. VCF-style: chr1-26446379-G-C. GRCh37 (hg19) VCF-style: chr1-26772870-G-C.
Other names: c.387G>C, p.Leu129Phe (NM_001243564.2, NM_024887.4); c.108G>C, p.Leu36Phe (NM_001319959.2); c.324-1180G>C (NM_001243565.2); short protein forms L129F, L36F.
Identifiers: ClinVar variation 1004416 (VCV001004416.9), dbSNP rs372256981, ClinGen allele CA705324.
Genomic context (GRCh38, chr1:26,446,379, plus strand): 5'-GAAACTGCAGAAGCATGGGGTGTGTATCCGGGTCCTGGGCGATCTGCACTTGTTGCCCTT[G>C]GATCTCCAGGAGCTGATTGCACAAGCTGTACAGGCCACGAAGAACTACAACAAGTAAGTT-3'
Protein context (NP_995583.1, residues 119-139): RVLGDLHLLP[Leu129Phe]DLQELIAQAV